The following is an entry in ClinVar:

ClinVar aggregate classification (germline): Uncertain significance (1 of 4 stars; one submission).

Conditions:
Progressive microcephaly-seizures-cortical blindness-developmental delay syndrome. Also called: Seizures, cortical blindness, and microcephaly syndrome. Identifiers: Orphanet 477814, MedGen C5567650, MONDO:0014714, OMIM 616632.
Autosomal dominant nonsyndromic hearing loss 1. Also called: KONIGSMARK SYNDROME; DEAFNESS, AUTOSOMAL DOMINANT 1, WITH OR WITHOUT THROMBOCYTOPENIA. Identifiers: Orphanet 90635, MedGen C1852282, MONDO:0007424, OMIM 124900.

Allele frequency attached by ClinVar (database versions not stated): gnomAD exomes below 0.00001; TOPMed below 0.00001.
gnomAD v4.1: 1 of 1,614,172 alleles (0.000062%); highest among the groups gnomAD compares: African/African-American, 0.0013%; no homozygotes.

Submission:

Labcorp Genetics (formerly Invitae), Labcorp
Classification: Uncertain significance for Progressive microcephaly-seizures-cortical blindness-developmental delay syndrome; Autosomal dominant nonsyndromic hearing loss 1. Last evaluated: 2019-07-09. Review status: criteria provided, single submitter. Criteria: Invitae Variant Classification Sherloc (09022015). Collection method: clinical testing. Allele origin: germline.
Comment: This sequence change replaces cysteine with arginine at codon 1227 of the DIAPH1 protein (p.Cys1227Arg). The cysteine residue is moderately conserved and there is a large physicochemical difference between cysteine and arginine. This variant is not present in population databases (ExAC no frequency). This variant has not been reported in the literature in individuals with DIAPH1-related conditions. Algorithms developed to predict the effect of missense changes on protein structure and function are either unavailable or do not agree on the potential impact of this missense change (SIFT: "Deleterious"; PolyPhen-2: "Benign"; Align-GVGD: "Class C0"). In summary, the available evidence is currently insufficient to determine the role of this variant in disease. Therefore, it has been classified as a Variant of Uncertain Significance.

NM_005219.5(DIAPH1):c.3679T>C (p.Cys1227Arg)

Gene: DIAPH1 (diaphanous related formin 1; minus strand). Cytogenetic location: 5q31.3.
Variant type: single nucleotide variant.
Coding change: c.3679T>C on transcript NM_005219.5 (MANE Select); coding-DNA position 3679, T replaced by C.
Protein change: p.Cys1227Arg; replaces cysteine 1227 with arginine.
Molecular consequence: missense variant. On other transcripts: synonymous variant (1).
Genome position (GRCh38, 1-based): chr5:141,516,991, A>G on the plus strand (T>C on the coding strand, the complement: DIAPH1 is on the minus strand). VCF-style: chr5-141516991-A-G. GRCh37 (hg19) VCF-style: chr5-140896558-A-G.
Other names: c.3652T>C, p.Cys1218Arg (NM_001079812.3); c.3732T>C, p.Gly1244= (NM_001314007.2); short protein forms C1227R, C1218R.
Identifiers: ClinVar variation 953644 (VCV000953644.10), dbSNP rs1466328561, ClinGen allele CA361572770.
Genomic context (GRCh38, chr5:141,516,991, plus strand): 5'-GAACAGCAGCCATGGCATCATCCTTGGTCAGCTCCGAAGCTAGCAGAGATGTGACTGCAC[A>G]CCCGGCCTTCCTGTTGGCTGCAAGAGAAGACGAGAGATTCTGTCTATGGAAGGCCTCATT-3'
Protein context (NP_005210.3, residues 1217-1237): GPRQANRKAG[Cys1227Arg]AVTSLLASEL